The following is an entry in ClinVar:

NM_000836.4(GRIN2D):c.332G>C (p.Arg111Pro)

Gene: GRIN2D (glutamate ionotropic receptor NMDA type subunit 2D; plus strand). Cytogenetic location: 19q13.33.
Variant type: single nucleotide variant.
Coding change: c.332G>C on transcript NM_000836.4 (MANE Select); coding-DNA position 332, G replaced by C.
Protein change: p.Arg111Pro; replaces arginine 111 with proline.
Molecular consequence: missense variant.
Genome position (GRCh38, 1-based): chr19:48,398,724, G>C. VCF-style: chr19-48398724-G-C. GRCh37 (hg19) VCF-style: chr19-48901981-G-C.
Other names: short protein forms R111P.
Identifiers: ClinVar variation 4886076 (VCV004886076.2).
Genomic context (GRCh38, chr19:48,398,724, plus strand): 5'-TCAACGGCTCGGACCCGCGCAGCCTCGTGCTGCAGCTCTGCGACCTGCTGTCGGGGTTGC[G>C]CGTGCACGGCGTGGTCTTCGAAGACGACTCGCGCGCGCCCGCCGTCGCGCCCATCCTCGA-3'
Protein context (NP_000827.2, residues 101-121): LQLCDLLSGL[Arg111Pro]VHGVVFEDDS

ClinVar aggregate classification (germline): Uncertain significance (1 of 4 stars; one submission).

Submission:

Dasa
Classification: Uncertain significance. Last evaluated: 2025-05-10. Review status: criteria provided, single submitter. Criteria: DASA Assertion Criteria. Collection method: clinical testing. Allele origin: germline.
Comment: NM_000836.4(GRIN2D):c.332G>C (p.Arg111Pro) is a missense variant that results in the substitution of arginine with proline. This variant is absent from population databases. The currently available literature and clinical evidence are not sufficient to establish a definitive association between this variant and the reported condition. Therefore, this variant is classified as a variant of uncertain significance.